The following is an entry in ClinVar:

NM_001371623.1(TCOF1):c.109-1del

Gene: TCOF1 (treacle ribosome biogenesis factor 1; plus strand). Cytogenetic location: 5q32.
Variant type: Deletion.
Coding change: c.109-1del on transcript NM_001371623.1 (MANE Select); the canonical splice acceptor site of the intron before coding-DNA position 109, one base deleted (G; older notation c.109-1delG).
Molecular consequence: splice acceptor variant.
Genome position (GRCh38, 1-based): chr5:150,361,155, G deleted. VCF-style (leftmost placement, unchanged base first): chr5-150361154-AG-A. GRCh37 (hg19) VCF-style: chr5-149740717-AG-A.
Other names: c.109-1del (NM_001135243.2, NM_001135244.2, NM_001195141.2 and 3 more transcripts).
Identifiers: ClinVar variation 1459152 (VCV001459152.8), dbSNP rs2150398890, ClinGen allele CA2573139294.

ClinVar aggregate classification (germline): Pathogenic (1 of 4 stars; one submission).

Conditions:
Treacher Collins syndrome 1 (TCS1). Also called: TCOF1-Related Treacher Collins Syndrome. Identifiers: Orphanet 861, MedGen CN315775, MONDO:0007944, OMIM 154500.

Submission:

Labcorp Genetics (formerly Invitae), Labcorp
Classification: Pathogenic for Treacher Collins syndrome 1. Last evaluated: 2020-12-23. Review status: criteria provided, single submitter. Criteria: Invitae Variant Classification Sherloc (09022015). Collection method: clinical testing. Allele origin: germline.
Comment: For these reasons, this variant has been classified as Pathogenic. Algorithms developed to predict the effect of sequence changes on RNA splicing suggest that this variant may disrupt the consensus splice site, but this prediction has not been confirmed by published transcriptional studies. This variant has been observed in individual(s) with Treacher Collins syndrome (PMID: 9042910, Invitae). This variant is not present in population databases (ExAC no frequency). This sequence change affects an acceptor splice site in intron 1 of the TCOF1 gene. It is expected to disrupt RNA splicing. Variants that disrupt the donor or acceptor splice site typically lead to a loss of protein function (PMID: 16199547), and loss-of-function variants in TCOF1 are known to be pathogenic (PMID: 8894686, 22317976).

Literature cited by the submitters: PubMed 9042910; PubMed 16199547; PubMed 8894686; PubMed 22317976.